The following is an entry in ClinVar:

NM_001388492.1(HTT):c.2460T>C (p.Ser820=)

Gene: HTT (huntingtin; plus strand). Cytogenetic location: 4p16.3.
Variant type: single nucleotide variant.
Coding change: c.2460T>C on transcript NM_001388492.1 (MANE Select); coding-DNA position 2460, T replaced by C.
Protein change: p.Ser820=; no amino-acid change (serine 820 retained).
Molecular consequence: synonymous variant.
Genome position (GRCh38, 1-based): chr4:3,132,878, T>C. VCF-style: chr4-3132878-T-C. GRCh37 (hg19) VCF-style: chr4-3134605-T-C.
Other names: c.2466T>C, p.Ser822= (NM_002111.8).
Identifiers: ClinVar variation 3045802 (VCV003045802.1), dbSNP rs2475984769, ClinGen allele CA438360023.
Genomic context (GRCh38, chr4:3,132,878, plus strand): 5'-TACATTTTCTTTGGCGGATTGCATTCCTTTGCTGCGGAAAACACTGAAGGATGAGTCTTC[T>C]GTTACTTGCAAGTTAGCTTGTACAGCTGTGAGGGTGAGCATAATCTTCTGTGGAACCATT-3'
Protein context (NP_001375421.1, residues 810-830): LLRKTLKDES[Ser820=]VTCKLACTAV

ClinVar aggregate classification (germline): Likely benign (1 of 4 stars; one submission).

Conditions:
HTT-related disorder. Also called: HTT-related condition.

Allele frequency attached by ClinVar (database versions not stated): gnomAD exomes below 0.00001.
gnomAD v4.1: 2 of 1,614,018 alleles (0.00012%); highest among the groups gnomAD compares: South Asian, 0.0011%; no homozygotes.

Submission:

PreventionGenetics, part of Exact Sciences
Classification: Likely benign for HTT-related condition. Last evaluated: 2019-10-01. Review status: criteria provided, single submitter. Criteria: ACMG Guidelines, 2015. Collection method: clinical testing. Allele origin: germline.
Comment: This variant is classified as likely benign based on ACMG/AMP sequence variant interpretation guidelines (Richards et al. 2015 PMID: 25741868, with internal and published modifications).